The following is an entry in ClinVar:

NM_024334.3(TMEM43):c.718C>A (p.Arg240Ser)

Gene: TMEM43 (transmembrane protein 43; plus strand). Cytogenetic location: 3p25.1.
Variant type: single nucleotide variant.
Coding change: c.718C>A on transcript NM_024334.3 (MANE Select); coding-DNA position 718, C replaced by A.
Protein change: p.Arg240Ser; replaces arginine 240 with serine.
Molecular consequence: missense variant.
Genome position (GRCh38, 1-based): chr3:14,135,170, C>A. VCF-style: chr3-14135170-C-A. GRCh37 (hg19) VCF-style: chr3-14176670-C-A.
Other names: short protein forms R240S.
Identifiers: ClinVar variation 1172429 (VCV001172429.2), dbSNP rs367910936, ClinGen allele CA351535723.

ClinVar aggregate classification (germline): Uncertain significance (1 of 4 stars; one submission).

Conditions:
Cardiomyopathy (CMYO). Also called: Cardiomyopathies. Identifiers: Orphanet 167848, MedGen C0878544, MONDO:0004994, HP:0001638. Inheritance: Various modes of inheritance.

gnomAD v4.1: 2 of 1,612,444 alleles (0.00012%); highest among the groups gnomAD compares: African/African-American, 0.0027%; no homozygotes.

Submission:

Color Diagnostics, LLC DBA Color Health
Classification: Uncertain significance for Cardiomyopathy. Last evaluated: 2020-11-16. Review status: criteria provided, single submitter. Criteria: ACMG Guidelines, 2015. Collection method: clinical testing. Allele origin: germline.
Comment: This missense variant replaces arginine with serine at codon 240 of the TMEM43 protein. Computational prediction is inconclusive regarding the impact of this variant on protein structure and function (internally defined REVEL score threshold 0.5 < inconclusive < 0.7, PMID: 27666373). To our knowledge, functional studies have not been reported for this variant. This variant has not been reported in individuals affected with cardiovascular disorders in the literature. This variant has not been identified in the general population by the Genome Aggregation Database (gnomAD). The available evidence is insufficient to determine the role of this variant in disease conclusively. Therefore, this variant is classified as a Variant of Uncertain Significance.